The following is an entry in ClinVar:

NM_032590.5(KDM2B):c.1959+2dup

Gene: KDM2B (lysine demethylase 2B; minus strand). Cytogenetic location: 12q24.31.
Variant type: Duplication.
Coding change: c.1959+2dup on transcript NM_032590.5 (MANE Select); the canonical splice donor site of the intron after coding-DNA position 1959, one base duplicated (T; older notation c.1959+2dupT).
Molecular consequence: splice donor variant.
Genome position (GRCh38, 1-based): chr12:121,453,118, A duplicated on the plus strand (T on the coding strand, the reverse complement: KDM2B is on the minus strand). VCF-style (leftmost placement, unchanged base first): chr12-121453117-C-CA. GRCh37 (hg19) VCF-style: chr12-121890920-C-CA.
Other names: c.1866+2dup (NM_001005366.2).
Identifiers: ClinVar variation 3392777 (VCV003392777.1).

ClinVar aggregate classification (germline): Uncertain significance (1 of 4 stars; one submission).

Submission:

GeneDx
Classification: Uncertain significance. Last evaluated: 2024-06-21. Review status: criteria provided, single submitter. Criteria: GeneDx Variant Classification Process June 2021. Collection method: clinical testing. Allele origin: germline. Affected: yes.
Comment: Intronic +5 splice site variant in a gene for which loss of function is a known mechanism of disease, and both splice predictors and evolutionary conservation support a deleterious effect, although in the absence of functional evidence the actual effect of this sequence change is unknown.; Not observed at significant frequency in large population cohorts (gnomAD); Has not been previously published as pathogenic or benign to our knowledge